The following is an entry in ClinVar:

NM_006922.4(SCN3A):c.2376G>C (p.Leu792Phe)

Gene: SCN3A (sodium voltage-gated channel alpha subunit 3; minus strand). Cytogenetic location: 2q24.3.
Variant type: single nucleotide variant.
Coding change: c.2376G>C on transcript NM_006922.4 (MANE Select); coding-DNA position 2376, G replaced by C.
Protein change: p.Leu792Phe; replaces leucine 792 with phenylalanine.
Molecular consequence: missense variant.
Genome position (GRCh38, 1-based): chr2:165,137,894, C>G on the plus strand (G>C on the coding strand, the complement: SCN3A is on the minus strand). VCF-style: chr2-165137894-C-G. GRCh37 (hg19) VCF-style: chr2-165994404-C-G.
Other names: c.2229G>C, p.Leu743Phe (NM_001081676.2, NM_001081677.2); short protein forms L743F, L792F.
Identifiers: ClinVar variation 5037328 (VCV005037328.1).
Genomic context (GRCh38, chr2:165,137,894, plus strand): 5'-TCCCACATCTACCAAAGTAAATAAGTAAACTTCAAATGTACTTACCAGGTTTCCTACAGT[C>G]AACACACTACTGAATTGCTCAGTCATGGGGTAGTGCTCCATGGCCATAAAGAGGGTATTT-3'
Protein context (NP_008853.3, residues 782-802): YPMTEQFSSV[Leu792Phe]TVGNLVFTGI

ClinVar aggregate classification (germline): Uncertain significance (1 of 4 stars; one submission).

gnomAD v4.1: 1 of 1,611,736 alleles (0.000062%); highest among the groups gnomAD compares: African/African-American, 0.0013%; no homozygotes.

Submission:

GeneDx
Classification: Uncertain significance. Last evaluated: 2026-04-16. Review status: criteria provided, single submitter. Criteria: GeneDx Variant Classification Process June 2021. Collection method: clinical testing. Allele origin: germline.
Comment: Not observed at significant frequency in large population cohorts (gnomAD); In silico analysis supports that this missense variant has a deleterious effect on protein structure/function; Has not been previously published as pathogenic or benign to our knowledge